The following is an entry in ClinVar:

NM_001374736.1(DST):c.20684G>T (p.Arg6895Leu)

Gene: DST (dystonin; minus strand). Cytogenetic location: 6p12.1.
Variant type: single nucleotide variant.
Coding change: c.20684G>T on transcript NM_001374736.1 (MANE Select); coding-DNA position 20684, G replaced by T.
Protein change: p.Arg6895Leu; replaces arginine 6895 with leucine.
Molecular consequence: missense variant.
Genome position (GRCh38, 1-based): chr6:56,492,300, C>A on the plus strand (G>T on the coding strand, the complement: DST is on the minus strand). VCF-style: chr6-56492300-C-A. GRCh37 (hg19) VCF-style: chr6-56357098-C-A.
Other names: c.14327G>T, p.Arg4776Leu (NM_001144769.5); c.13913G>T, p.Arg4638Leu (NM_001144770.2); c.20684G>T, p.Arg6895Leu (NM_001374722.1); c.19724G>T, p.Arg6575Leu (NM_001374729.1); c.13466G>T, p.Arg4489Leu (NM_001374730.1); c.20711G>T, p.Arg6904Leu (NM_001374734.1); c.13793G>T, p.Arg4598Leu (NM_001386100.1, NM_183380.4); c.12815G>T, p.Arg4272Leu (NM_015548.5); short protein forms R4489L, R4776L, R6575L, R4272L, R4598L, R4638L, R6904L, R6895L.
Identifiers: ClinVar variation 1036288 (VCV001036288.8), dbSNP rs371273718, ClinGen allele CA3866698.
Genomic context (GRCh38, chr6:56,492,300, plus strand): 5'-TTCCTTGCATCATCCAAAGATCTTCCTCTCTCTACCAACCGTTGAACCACTTTTTCCCAT[C>A]GACTTTGTACACTGATAAGTAGATTCTTGATTAGAACAACATCTTGTTTCTGACTAAAAT-3'
Protein context (NP_001361665.1, residues 6885-6905): IKNLLISVQS[Arg6895Leu]WEKVVQRLVE

ClinVar aggregate classification (germline): Uncertain significance. Review status: criteria provided, multiple submitters, no conflicts (2 of 4 stars). 2 submissions from 2 submitters: Uncertain significance (2). Last evaluated 2022-07-29.

Conditions:
Inborn genetic diseases. Identifiers: MedGen C0950123, MeSH D030342.
Hereditary sensory and autonomic neuropathy type 6. Also called: Neuropathy, hereditary sensory and autonomic, type VI; HSAN VI. Identifiers: Orphanet 314381, MedGen C3539003, MONDO:0013839, OMIM 614653.
Epidermolysis bullosa simplex 3, localized or generalized intermediate, with BP230 deficiency (EBS3). Also called: Epidermolysis bullosa simplex, autosomal recessive 2; Epidermolysis bullosa simplex due to BP230 deficiency. Identifiers: Orphanet 412181, MedGen C3809470, MONDO:0014180, OMIM 615425.

Allele frequency attached by ClinVar (database versions not stated): TOPMed 0.00002; gnomAD 0.00004; ESP Exome Variant Server 0.00008.
gnomAD v4.1: 39 of 1,613,728 alleles (0.0024%); highest among the groups gnomAD compares: South Asian, 0.0033%; no homozygotes.

Submissions (2):

Labcorp Genetics (formerly Invitae), Labcorp
Classification: Uncertain significance for Epidermolysis bullosa simplex 3, localized or generalized intermediate, with BP230 deficiency; Hereditary sensory and autonomic neuropathy type 6. Last evaluated: 2022-07-29. Review status: criteria provided, single submitter. Criteria: Invitae Variant Classification Sherloc (09022015). Collection method: clinical testing. Allele origin: germline.
Comment: The DST gene has multiple clinically relevant transcripts. This variant occurs in alternate transcript NM_015548.4, and corresponds to NM_001723.5:c.*123217G>T in the primary transcript. This sequence change replaces arginine, which is basic and polar, with leucine, which is neutral and non-polar, at codon 4272 of the DST protein (p.Arg4272Leu). This variant is present in population databases (rs371273718, gnomAD 0.006%). This variant has not been reported in the literature in individuals affected with DST-related conditions. Experimental studies and prediction algorithms are not available or were not evaluated, and the functional significance of this variant is currently unknown. In summary, the available evidence is currently insufficient to determine the role of this variant in disease. Therefore, it has been classified as a Variant of Uncertain Significance.

Ambry Genetics
Classification: Uncertain significance for Inborn genetic diseases. Last evaluated: 2019-10-15. Review status: criteria provided, single submitter. Criteria: Ambry Variant Classification Scheme 2023. Collection method: clinical testing. Allele origin: germline.
Comment: The p.R4776L variant (also known as c.14327G>T), located in coding exon 79 of the DST gene, results from a G to T substitution at nucleotide position 14327. The arginine at codon 4776 is replaced by leucine, an amino acid with dissimilar properties. This amino acid position is highly conserved in available vertebrate species. In addition, this alteration is predicted to be deleterious by in silico analysis. Since supporting evidence is limited at this time, the clinical significance of this alteration remains unclear.